The following is an entry in ClinVar:

NM_006949.4(STXBP2):c.1693A>G (p.Ile565Val)

Gene: STXBP2 (syntaxin binding protein 2; plus strand). Cytogenetic location: 19p13.2.
Variant type: single nucleotide variant.
Coding change: c.1693A>G on transcript NM_006949.4 (MANE Select); coding-DNA position 1693, A replaced by G.
Protein change: p.Ile565Val; replaces isoleucine 565 with valine.
Molecular consequence: missense variant. On other transcripts: non-coding transcript variant (1).
Genome position (GRCh38, 1-based): chr19:7,647,508, A>G. VCF-style: chr19-7647508-A-G. GRCh37 (hg19) VCF-style: chr19-7712394-A-G.
Other names: c.1693A>G (NM_006949.3); c.1684A>G, p.Ile562Val (NM_001127396.3); c.1726A>G, p.Ile576Val (NM_001272034.2); c.1597A>G, p.Ile533Val (NM_001414484.1); short protein forms I533V, I562V, I576V, I565V.
Identifiers: ClinVar variation 1935528 (VCV001935528.4), dbSNP rs2032186472, ClinGen allele CA403162246.

ClinVar aggregate classification (germline): Uncertain significance. Review status: criteria provided, multiple submitters, no conflicts (2 of 4 stars). 2 submissions from 2 submitters: Uncertain significance (2). Last evaluated 2026-05-15.

Conditions:
STXBP2-related disorder. Also called: STXBP2-related condition.
Familial hemophagocytic lymphohistiocytosis 5. Also called: STXBP2-Related Familial Hemophagocytic Lymphohistiocytosis (STXBP2-fHLH). Identifiers: Orphanet 540, MedGen C2751293, MONDO:0013135, OMIM 613101.

Allele frequency attached by ClinVar (database versions not stated): gnomAD 0.00001.

Submissions (2):

PreventionGenetics, part of Exact Sciences
Classification: Uncertain significance for STXBP2-related condition. Last evaluated: 2026-05-15. Review status: criteria provided, single submitter. Criteria: ACMG Guidelines, 2015. Collection method: clinical testing. Allele origin: germline.
Comment: The STXBP2 c.1693A>G variant is predicted to result in the amino acid substitution p.Ile565Val. To our knowledge, this variant has not been reported in the literature or in a large population database (gnomAD), indicating this variant is rare. At this time, the clinical significance of this variant is uncertain due to the absence of conclusive functional and genetic evidence.

Labcorp Genetics (formerly Invitae), Labcorp
Classification: Uncertain significance for Familial hemophagocytic lymphohistiocytosis 5. Last evaluated: 2025-05-16. Review status: criteria provided, single submitter. Criteria: Invitae Variant Classification Sherloc (09022015). Collection method: clinical testing. Allele origin: germline.
Comment: This sequence change replaces isoleucine, which is neutral and non-polar, with valine, which is neutral and non-polar, at codon 565 of the STXBP2 protein (p.Ile565Val). This variant is not present in population databases (gnomAD no frequency). This variant has not been reported in the literature in individuals affected with STXBP2-related conditions. ClinVar contains an entry for this variant (Variation ID: 1935528). Invitae Evidence Modeling of protein sequence and biophysical properties (such as structural, functional, and spatial information, amino acid conservation, physicochemical variation, residue mobility, and thermodynamic stability) indicates that this missense variant is not expected to disrupt STXBP2 protein function with a negative predictive value of 95%. In summary, the available evidence is currently insufficient to determine the role of this variant in disease. Therefore, it has been classified as a Variant of Uncertain Significance.